The following is an entry in ClinVar:

ClinVar aggregate classification (germline): Likely pathogenic (1 of 4 stars; one submission).

Conditions:
CTC1-related disorder. Also called: CTC1-related condition.

Submission:

PreventionGenetics, part of Exact Sciences
Classification: Likely pathogenic for CTC1-related condition. Last evaluated: 2023-06-30. Review status: criteria provided, single submitter. Criteria: ACMG Guidelines, 2015. Collection method: clinical testing. Allele origin: germline.
Comment: The CTC1 c.3151dupC variant is predicted to result in a frameshift and premature protein termination (p.Arg1051Profs*39). To our knowledge, this variant has not been reported in the literature or in a large population database, indicating this variant is rare. Frameshift variants in CTC1 are expected to be pathogenic. This variant is interpreted as likely pathogenic.

NM_025099.6(CTC1):c.3151dup (p.Arg1051fs)

Gene: CTC1 (CST telomere replication complex component 1; minus strand). Cytogenetic location: 17p13.1.
Variant type: Duplication.
Coding change: c.3151dup on transcript NM_025099.6 (MANE Select); coding-DNA position 3151, one base duplicated (C; older notation c.3151dupC).
Protein change: p.Arg1051fs; shifts the reading frame from arginine 1051.
Molecular consequence: frameshift variant. On other transcripts: non-coding transcript variant (1).
Genome position (GRCh38, 1-based): chr17:8,229,307, G duplicated on the plus strand (C on the coding strand, the reverse complement: CTC1 is on the minus strand); the first of 2 consecutive G bases (chr17:8,229,307-8,229,308); duplicating either gives the same sequence. VCF-style (leftmost placement, unchanged base first): chr17-8229306-C-CG. GRCh37 (hg19) VCF-style: chr17-8132624-C-CG.
Other names: c.3151dup, p.Arg1051fs (NM_001411067.1); short protein forms R1051fs.
Identifiers: ClinVar variation 2631628 (VCV002631628.1), dbSNP rs2507869681, ClinGen allele CA2576162783.